The following is an entry in ClinVar:

ClinVar aggregate classification (germline): Benign/Likely benign. Review status: criteria provided, multiple submitters, no conflicts (2 of 4 stars). 6 submissions from 6 submitters: Benign (3); Likely benign (3). Last evaluated 2026-04-01.

Conditions:
Hereditary cancer-predisposing syndrome. Also called: Neoplastic Syndromes, Hereditary; Tumor predisposition; Hereditary neoplastic syndrome; Hereditary Cancer Syndrome. Identifiers: Orphanet 140162, MedGen C0027672, MeSH D009386, MONDO:0015356.
EGFR-related lung cancer (EGFR). Identifiers: MedGen CN130014.

Allele frequency attached by ClinVar (database versions not stated): gnomAD exomes 0.00029 and 0.00079; ExAC 0.00128; gnomAD 0.00303 and 0.00327; TOPMed 0.00345; ESP Exome Variant Server 0.00361; 1000 Genomes Project 0.00459; 1000 Genomes Project 30x 0.00515.
gnomAD v4.1: 916 of 1,613,330 alleles (0.057%); highest among the groups gnomAD compares: African/African-American, 1%; 4 homozygotes.

Submissions (6):

CeGaT Center for Human Genetics Tuebingen
Classification: Likely benign. Last evaluated: 2026-04-01. Review status: criteria provided, single submitter. Criteria: CeGaT Center For Human Genetics Tuebingen Variant Classification Criteria Version 2. Collection method: clinical testing. Allele origin: germline. Affected: yes. Observed: 4 variant alleles.
Comment: EGFR: BP4, BP7, BS1

Labcorp Genetics (formerly Invitae), Labcorp
Classification: Benign for EGFR-related lung cancer. Last evaluated: 2026-02-02. Review status: criteria provided, single submitter. Criteria: Invitae Variant Classification Sherloc (09022015). Collection method: clinical testing. Allele origin: germline.

Blueprint Genetics
Classification: Likely benign. Last evaluated: 2024-11-14. Review status: criteria provided, single submitter. Criteria: ACMG Guidelines, 2015. Collection method: clinical testing. Allele origin: germline.

Ambry Genetics
Classification: Likely benign for Hereditary cancer-predisposing syndrome. Last evaluated: 2024-08-21. Review status: criteria provided, single submitter. Criteria: Ambry Variant Classification Scheme 2023. Collection method: clinical testing. Allele origin: germline.

Sema4
Classification: Benign for Hereditary cancer-predisposing syndrome. Last evaluated: 2021-05-29. Review status: criteria provided, single submitter. Criteria: Sema4 Curation Guidelines. Collection method: curation. Allele origin: germline.

Breakthrough Genomics
Classification: Benign. Review status: criteria provided, single submitter. Criteria: ACMG Guidelines, 2015. Collection method: not provided. Allele origin: germline. Inheritance: Autosomal recessive inheritance. Affected: yes.

NM_005228.5(EGFR):c.3210C>T (p.Ser1070=)

Gene: EGFR (epidermal growth factor receptor; plus strand). Cytogenetic location: 7p11.2.
Variant type: single nucleotide variant.
Coding change: c.3210C>T on transcript NM_005228.5 (MANE Select); coding-DNA position 3210, C replaced by T.
Protein change: p.Ser1070=; no amino-acid change (serine 1070 retained).
Molecular consequence: synonymous variant.
Genome position (GRCh38, 1-based): chr7:55,202,564, C>T. VCF-style: chr7-55202564-C-T. GRCh37 (hg19) VCF-style: chr7-55270257-C-T.
Other names: c.3075C>T, p.Ser1025= (NM_001346897.2, NM_001346899.2); c.3210C>T, p.Ser1070= (NM_001346898.2); c.3051C>T, p.Ser1017= (NM_001346900.2); c.2409C>T, p.Ser803= (NM_001346941.2).
Identifiers: ClinVar variation 695601 (VCV000695601.38), dbSNP rs41494749, ClinGen allele CA4266322.